The following is an entry in ClinVar:

NC_000003.12:g.(?_15601831)_(15601914_?)del

Gene: BTD (biotinidase; plus strand). Cytogenetic location: 3p25.1.
Variant type: Deletion.
Identifiers: ClinVar variation 833362 (VCV000833362.1).

ClinVar aggregate classification (germline): Pathogenic (1 of 4 stars; one submission).

Conditions:
Biotinidase deficiency. Also called: Biotin deficiency; BTD deficiency; Late-onset biotin-responsive multiple carboxylase deficiency. Identifiers: Orphanet 79241, MedGen C0220754, MONDO:0009665, OMIM 253260.

Submission:

Labcorp Genetics (formerly Invitae), Labcorp
Classification: Pathogenic for Biotinidase deficiency. Last evaluated: 2019-10-07. Review status: criteria provided, single submitter. Criteria: Invitae Variant Classification Sherloc (09022015). Collection method: clinical testing. Allele origin: germline.
Comment: This variant is a gross deletion of the genomic region encompassing exon 1 of the BTD gene, which includes the initiator codon. The 5' end of this event is unknown as it extends beyond the assayed region for this gene and therefore may encompass additional genes. The 3' boundary is likely confined to intron 1 of the BTD gene. This is expected to result in an absent or disrupted protein product. This variant has not been reported in the literature in individuals with BTD-related conditions. Loss-of-function variants in BTD are known to be pathogenic (PMID: 20083419). For these reasons, this variant has been classified as Pathogenic.